The following is an entry in ClinVar:

ClinVar aggregate classification (germline): Uncertain significance (1 of 4 stars; one submission).

Conditions:
Hypertrophic cardiomyopathy. Also called: HYPERTROPHIC MYOCARDIOPATHY. Identifiers: Orphanet 217569, MedGen C0007194, MeSH D002312, MONDO:0005045, HP:0001639.

gnomAD v4.1: 1 of 1,516,628 alleles (0.000066%); highest among the groups gnomAD compares: African/African-American, 0.0014%; no homozygotes.

Submission:

Labcorp Genetics (formerly Invitae), Labcorp
Classification: Uncertain significance for Hypertrophic cardiomyopathy. Last evaluated: 2024-12-19. Review status: criteria provided, single submitter. Criteria: Invitae Variant Classification Sherloc (09022015). Collection method: clinical testing. Allele origin: germline.
Comment: This sequence change replaces serine, which is neutral and polar, with alanine, which is neutral and non-polar, at codon 179 of the JPH2 protein (p.Ser179Ala). This variant is not present in population databases (gnomAD no frequency). This variant has not been reported in the literature in individuals affected with JPH2-related conditions. An algorithm developed to predict the effect of missense changes on protein structure and function outputs the following: PolyPhen-2: "Benign". The alanine amino acid residue is found in multiple mammalian species, which suggests that this missense change does not adversely affect protein function. In summary, the available evidence is currently insufficient to determine the role of this variant in disease. Therefore, it has been classified as a Variant of Uncertain Significance.

NM_020433.5(JPH2):c.535T>G (p.Ser179Ala)

Gene: JPH2 (junctophilin 2; minus strand). Cytogenetic location: 20q13.12.
Variant type: single nucleotide variant.
Coding change: c.535T>G on transcript NM_020433.5 (MANE Select); coding-DNA position 535, T replaced by G.
Protein change: p.Ser179Ala; replaces serine 179 with alanine.
Molecular consequence: missense variant.
Genome position (GRCh38, 1-based): chr20:44,160,252, A>C on the plus strand (T>G on the coding strand, the complement: JPH2 is on the minus strand). VCF-style: chr20-44160252-A-C. GRCh37 (hg19) VCF-style: chr20-42788892-A-C.
Other names: short protein forms S179A.
Identifiers: ClinVar variation 3694168 (VCV003694168.2).
Genomic context (GRCh38, chr20:44,160,252, plus strand): 5'-CGCCACGCGGGATGGCGGGCGAGGGCAGCGCGGGGCCGTCGGAGGCCGGCGAGGCGGGAG[A>C]GTCCGGGGCCACCGTGCCGTTGCTGTGCTCGCTGCGCAGGGACGACAGCGACGTGCGCAG-3'
Protein context (NP_065166.2, residues 169-189): EHSNGTVAPD[Ser179Ala]PASPASDGPA